The following is an entry in ClinVar:

NM_005027.4(PIK3R2):c.1113A>G (p.Lys371=)

Gene: PIK3R2 (phosphoinositide-3-kinase regulatory subunit 2; plus strand). Cytogenetic location: 19p13.11.
Variant type: single nucleotide variant.
Coding change: c.1113A>G on transcript NM_005027.4 (MANE Select); coding-DNA position 1113, A replaced by G.
Protein change: p.Lys371=; no amino-acid change (lysine 371 retained).
Molecular consequence: synonymous variant. On other transcripts: non-coding transcript variant (2).
Genome position (GRCh38, 1-based): chr19:18,162,970, A>G. VCF-style: chr19-18162970-A-G. GRCh37 (hg19) VCF-style: chr19-18273780-A-G.
Identifiers: ClinVar variation 2000137 (VCV002000137.4), dbSNP rs2147952796, ClinGen allele CA506018298.

ClinVar aggregate classification (germline): Uncertain significance (1 of 4 stars; one submission).

Conditions:
Megalencephaly-polymicrogyria-postaxial polydactyly-hydrocephalus syndrome. Also called: MEG-PMG-MEGACC SYNDROME; MPPH Syndrome. Identifiers: Orphanet 83473, MedGen C1863924, MONDO:0019375.

Allele frequency attached by ClinVar (database versions not stated): gnomAD exomes below 0.00001.
gnomAD v4.1: 1 of 1,612,624 alleles (0.000062%); highest among the groups gnomAD compares: Non-Finnish European, 0.000085%; no homozygotes.

Submission:

Labcorp Genetics (formerly Invitae), Labcorp
Classification: Uncertain significance for Megalencephaly-polymicrogyria-postaxial polydactyly-hydrocephalus syndrome. Last evaluated: 2022-05-28. Review status: criteria provided, single submitter. Criteria: Invitae Variant Classification Sherloc (09022015). Collection method: clinical testing. Allele origin: germline.
Comment: This sequence change affects codon 371 of the PIK3R2 mRNA. It is a 'silent' change, meaning that it does not change the encoded amino acid sequence of the PIK3R2 protein. In summary, the available evidence is currently insufficient to determine the role of this variant in disease. Therefore, it has been classified as a Variant of Uncertain Significance. Algorithms developed to predict the effect of sequence changes on RNA splicing suggest that this variant may disrupt the consensus splice site. This variant has not been reported in the literature in individuals affected with PIK3R2-related conditions. This variant is not present in population databases (gnomAD no frequency).